The following is an entry in ClinVar:

NM_001012759.3(CTU2):c.1201+7_1201+8del

Gene: CTU2 (cytosolic thiouridylase subunit 2; plus strand). Cytogenetic location: 16q24.3.
Variant type: Microsatellite.
Coding change: c.1201+7_1201+8del on transcript NM_001012759.3 (MANE Select); bases 7 to 8 of the intron after coding-DNA position 1201, 2 bases deleted (GT; older notation c.1201+7_1201+8delGT).
Molecular consequence: intron variant.
Genome position (GRCh38, 1-based): chr16:88,714,493-88,714,494, GT deleted; deleting any 2 consecutive bases within chr16:88,714,490-88,714,494 gives the same sequence; the c. name uses the placement nearest the transcript's 3' end. VCF-style (leftmost placement, unchanged base first): chr16-88714489-CTG-C. GRCh37 (hg19) VCF-style: chr16-88780897-CTG-C.
Other names: c.1414+7_1414+8del (NM_001318507.2); c.1201+7_1201+8del (NM_001012762.3); c.940+7_940+8del (NM_001318513.2).
Identifiers: ClinVar variation 3045805 (VCV003045805.2), dbSNP rs770862024, ClinGen allele CA8230900.

ClinVar aggregate classification (germline): Likely benign (0 of 4 stars; one submission).

Conditions:
CTU2-related disorder. Also called: CTU2-related condition.

Submission:

PreventionGenetics, part of Exact Sciences
Classification: Likely benign for CTU2-related condition. Last evaluated: 2019-02-25. Review status: no assertion criteria provided. Collection method: clinical testing. Allele origin: germline.
Comment: This variant is classified as likely benign based on ACMG/AMP sequence variant interpretation guidelines (Richards et al. 2015 PMID: 25741868, with internal and published modifications).